The following is an entry in ClinVar:

NM_006329.4(FBLN5):c.58C>T (p.Pro20Ser)

Gene: FBLN5 (fibulin 5; minus strand). Cytogenetic location: 14q32.12.
Variant type: single nucleotide variant.
Coding change: c.58C>T on transcript NM_006329.4 (MANE Select); coding-DNA position 58, C replaced by T.
Protein change: p.Pro20Ser; replaces proline 20 with serine.
Molecular consequence: missense variant. On other transcripts: 5 prime UTR variant (2).
Genome position (GRCh38, 1-based): chr14:91,942,921, G>A on the plus strand (C>T on the coding strand, the complement: FBLN5 is on the minus strand). VCF-style: chr14-91942921-G-A. GRCh37 (hg19) VCF-style: chr14-92409265-G-A.
Other names: c.58C>T, p.Pro20Ser (NM_001384158.1, NM_001384160.1); c.109C>T, p.Pro37Ser (NM_001384159.1); c.-212C>T (NM_001384161.1, NM_001384162.1); short protein forms P37S, P20S.
Identifiers: ClinVar variation 1414344 (VCV001414344.8), dbSNP rs1252628416, ClinGen allele CA390641437.
Genomic context (GRCh38, chr14:91,942,921, plus strand): 5'-GGATTTTAATACGCTTGTAGATATTTTTTAAAAATAAAAATCTTACCTGTGCATTCCCAG[G>A]GCTTGGAAGACAGAGAGCCAGAATGGTAACAGTGAGTATCCTGTGGAGGTGAAAAGTCAA-3'
Protein context (NP_006320.2, residues 10-30): VTILALCLPS[Pro20Ser]GNAQAQCTNG

ClinVar aggregate classification (germline): Uncertain significance (1 of 4 stars; one submission).

Allele frequency attached by ClinVar (database versions not stated): gnomAD exomes 0.00001 and below 0.00001.
gnomAD v4.1: 1 of 1,547,398 alleles (0.000065%); highest among the groups gnomAD compares: East Asian, 0.0024%; no homozygotes.

Submission:

Labcorp Genetics (formerly Invitae), Labcorp
Classification: Uncertain significance. Last evaluated: 2025-04-22. Review status: criteria provided, single submitter. Criteria: Invitae Variant Classification Sherloc (09022015). Collection method: clinical testing. Allele origin: germline.
Comment: This sequence change replaces proline, which is neutral and non-polar, with serine, which is neutral and polar, at codon 20 of the FBLN5 protein (p.Pro20Ser). This variant is present in population databases (no rsID available, gnomAD 0.009%). This variant has not been reported in the literature in individuals affected with FBLN5-related conditions. ClinVar contains an entry for this variant (Variation ID: 1414344). An algorithm developed to predict the effect of missense changes on protein structure and function (PolyPhen-2) suggests that this variant is likely to be tolerated. In summary, the available evidence is currently insufficient to determine the role of this variant in disease. Therefore, it has been classified as a Variant of Uncertain Significance.